The following is an entry in ClinVar:

ClinVar aggregate classification (germline): Uncertain significance (1 of 4 stars; one submission).

Conditions:
Neuropathy, hereditary sensory and autonomic, type 2A (HSAN2A). Also called: ACROOSTEOLYSIS, GIACCAI TYPE; ACROOSTEOLYSIS, NEUROGENIC; MORVAN DISEASE; NEUROPATHY, CONGENITAL SENSORY; NEUROPATHY, HEREDITARY SENSORY RADICULAR, AUTOSOMAL RECESSIVE; NEUROPATHY, HEREDITARY SENSORY, TYPE IIA. Identifiers: Orphanet 970, MedGen C2752089, MONDO:0024309, OMIM 201300.
Generalized epilepsy with febrile seizures plus, type 7 (GEFSP7). Also called: GEFS+, TYPE 7. Identifiers: Orphanet 36387, MedGen C2751778, MONDO:0013470, OMIM 613863.

gnomAD v4.1: 1 of 1,614,154 alleles (0.000062%); highest among the groups gnomAD compares: Non-Finnish European, 0.000085%; no homozygotes.

Submission:

Labcorp Genetics (formerly Invitae), Labcorp
Classification: Uncertain significance for Neuropathy, hereditary sensory and autonomic, type 2A; Generalized epilepsy with febrile seizures plus, type 7. Last evaluated: 2023-05-20. Review status: criteria provided, single submitter. Criteria: Invitae Variant Classification Sherloc (09022015). Collection method: clinical testing. Allele origin: germline.
Comment: In summary, the available evidence is currently insufficient to determine the role of this variant in disease. Therefore, it has been classified as a Variant of Uncertain Significance. Advanced modeling of protein sequence and biophysical properties (such as structural, functional, and spatial information, amino acid conservation, physicochemical variation, residue mobility, and thermodynamic stability) performed at Invitae indicates that this missense variant is not expected to disrupt SCN9A protein function. This variant has not been reported in the literature in individuals affected with SCN9A-related conditions. This variant is not present in population databases (gnomAD no frequency). This sequence change replaces aspartic acid, which is acidic and polar, with asparagine, which is neutral and polar, at codon 1793 of the SCN9A protein (p.Asp1793Asn).

NM_001365536.1(SCN9A):c.5410G>A (p.Asp1804Asn)

Genes: SCN1A-AS1 (SCN1A and SCN9A antisense RNA 1; plus strand), SCN9A (sodium voltage-gated channel alpha subunit 9; minus strand). Cytogenetic location: 2q24.3.
Variant type: single nucleotide variant.
Coding change: c.5410G>A on transcript NM_001365536.1 (MANE Select); coding-DNA position 5410, G replaced by A.
Protein change: p.Asp1804Asn; replaces aspartic acid 1804 with asparagine.
Molecular consequence: missense variant.
Genome position (GRCh38, 1-based): chr2:166,199,229, C>T on the plus strand (G>A on the coding strand, the complement: SCN9A is on the minus strand). VCF-style: chr2-166199229-C-T. GRCh37 (hg19) VCF-style: chr2-167055739-C-T.
Other names: c.5377G>A, p.Asp1793Asn (NM_002977.4); short protein forms D1804N, D1793N.
Identifiers: ClinVar variation 2947978 (VCV002947978.3), dbSNP rs769097206, ClinGen allele CA349052987.